The following is an entry in ClinVar:

ClinVar aggregate classification (germline): Conflicting classifications of pathogenicity. Review status: criteria provided, conflicting classifications (1 of 4 stars). 2 submissions from 2 submitters: Uncertain significance (1); Likely benign (1). Last evaluated 2024-02-27.

Conditions:
Inborn genetic diseases. Identifiers: MedGen C0950123, MeSH D030342.

Allele frequency attached by ClinVar (database versions not stated): TOPMed below 0.00001; ExAC 0.00002.
gnomAD v4.1: 2 of 1,613,548 alleles (0.00012%); highest among the groups gnomAD compares: East Asian, 0.0045%; no homozygotes.

Submissions (2):

Ambry Genetics
Classification: Likely benign for Inborn genetic diseases. Last evaluated: 2024-02-27. Review status: criteria provided, single submitter. Criteria: Ambry Variant Classification Scheme 2023. Collection method: clinical testing. Allele origin: germline.

Labcorp Genetics (formerly Invitae), Labcorp
Classification: Uncertain significance. Last evaluated: 2023-04-30. Review status: criteria provided, single submitter. Criteria: Invitae Variant Classification Sherloc (09022015). Collection method: clinical testing. Allele origin: germline.
Comment: In summary, the available evidence is currently insufficient to determine the role of this variant in disease. Therefore, it has been classified as a Variant of Uncertain Significance. This sequence change replaces threonine, which is neutral and polar, with arginine, which is basic and polar, at codon 1520 of the RAI1 protein (p.Thr1520Arg). This variant is present in population databases (rs757909102, gnomAD 0.01%). This variant has not been reported in the literature in individuals affected with RAI1-related conditions. Advanced modeling of protein sequence and biophysical properties (such as structural, functional, and spatial information, amino acid conservation, physicochemical variation, residue mobility, and thermodynamic stability) performed at Invitae indicates that this missense variant is not expected to disrupt RAI1 protein function.

NM_030665.4(RAI1):c.4559C>G (p.Thr1520Arg)

Gene: RAI1 (retinoic acid induced 1; plus strand). Cytogenetic location: 17p11.2.
Variant type: single nucleotide variant.
Coding change: c.4559C>G on transcript NM_030665.4 (MANE Select); coding-DNA position 4559, C replaced by G.
Protein change: p.Thr1520Arg; replaces threonine 1520 with arginine.
Molecular consequence: missense variant.
Genome position (GRCh38, 1-based): chr17:17,797,507, C>G. VCF-style: chr17-17797507-C-G. GRCh37 (hg19) VCF-style: chr17-17700821-C-G.
Other names: c.4559C>G (NM_030665.3); short protein forms T1520R.
Identifiers: ClinVar variation 2870161 (VCV002870161.4), dbSNP rs757909102, ClinGen allele CA8418981.